The following is an entry in ClinVar:

NM_001367624.2(ZNF469):c.10588C>G (p.Pro3530Ala)

Gene: ZNF469 (zinc finger protein 469; plus strand). Cytogenetic location: 16q24.2.
Variant type: single nucleotide variant.
Coding change: c.10588C>G on transcript NM_001367624.2 (MANE Select); coding-DNA position 10588, C replaced by G.
Protein change: p.Pro3530Ala; replaces proline 3530 with alanine.
Molecular consequence: missense variant.
Genome position (GRCh38, 1-based): chr16:88,438,058, C>G. VCF-style: chr16-88438058-C-G. GRCh37 (hg19) VCF-style: chr16-88504466-C-G.
Other names: short protein forms P3530A.
Identifiers: ClinVar variation 1972444 (VCV001972444.2), dbSNP rs1484449016, ClinGen allele CA397127285.

ClinVar aggregate classification (germline): Uncertain significance (1 of 4 stars; one submission).

Submission:

Labcorp Genetics (formerly Invitae), Labcorp
Classification: Uncertain significance. Last evaluated: 2022-06-26. Review status: criteria provided, single submitter. Criteria: Invitae Variant Classification Sherloc (09022015). Collection method: clinical testing. Allele origin: germline.
Comment: This sequence change replaces proline, which is neutral and non-polar, with alanine, which is neutral and non-polar, at codon 3502 of the ZNF469 protein (p.Pro3502Ala). This variant is not present in population databases (gnomAD no frequency). This variant has not been reported in the literature in individuals affected with ZNF469-related conditions. Algorithms developed to predict the effect of missense changes on protein structure and function are either unavailable or do not agree on the potential impact of this missense change (SIFT: "Tolerated"; PolyPhen-2: "Possibly Damaging"; Align-GVGD: "Class C0"). In summary, the available evidence is currently insufficient to determine the role of this variant in disease. Therefore, it has been classified as a Variant of Uncertain Significance.